The following is an entry in ClinVar:

NM_024529.5(CDC73):c.1242del (p.Gly416fs)

Gene: CDC73 (cell division cycle 73; plus strand). Cytogenetic location: 1q31.2.
Variant type: Deletion.
Coding change: c.1242del on transcript NM_024529.5 (MANE Select); coding-DNA position 1242, one base deleted (A; older notation c.1242delA).
Protein change: p.Gly416fs; shifts the reading frame from glycine 416.
Molecular consequence: frameshift variant.
Genome position (GRCh38, 1-based): chr1:193,233,080, A deleted. VCF-style (leftmost placement, unchanged base first): chr1-193233079-CA-C. GRCh37 (hg19) VCF-style: chr1-193202209-CA-C.
Other names: short protein forms G416fs.
Identifiers: ClinVar variation 4697925 (VCV004697925.1).
Genomic context (GRCh38, chr1:193,233,079, plus strand): 5'-AACAAGGTTGTCAACGAGAAAATGAAACTCTAATACAAAGAAGAAAAGACCAGATGCAAC[CA>C]GGGGGCACTGCAATTAGTGTTACAGTACCTTATAGAGTAGTAGACCAGCCCCTTAAACTT-3'

ClinVar aggregate classification (germline): Pathogenic (1 of 4 stars; one submission).

Conditions:
Parathyroid carcinoma (PRTC). Also called: Parathyroid gland carcinoma; CDC73-Related Parathyroid Carcinoma. Identifiers: Orphanet 143, MedGen C0687150, MONDO:0012004, OMIM 608266, HP:0006780.

Submission:

Labcorp Genetics (formerly Invitae), Labcorp
Classification: Pathogenic for Parathyroid carcinoma. Last evaluated: 2025-11-25. Review status: criteria provided, single submitter. Criteria: Invitae Variant Classification Sherloc (09022015). Collection method: clinical testing. Allele origin: germline.
Comment: This sequence change creates a premature translational stop signal (p.Gly416Alafs*12) in the CDC73 gene. It is expected to result in an absent or disrupted protein product. Loss-of-function variants in CDC73 are known to be pathogenic (PMID: 12434154). This variant is not present in population databases (gnomAD no frequency). This premature translational stop signal has been observed in individual(s) with parathyroid carcinoma (PMID: 32590342). For these reasons, this variant has been classified as Pathogenic.

Literature cited by the submitters: PubMed 12434154; PubMed 32590342.